The following is an entry in ClinVar:

ClinVar aggregate classification (germline): Uncertain significance (1 of 4 stars; one submission).

Submission:

GeneDx
Classification: Uncertain significance. Last evaluated: 2024-07-23. Review status: criteria provided, single submitter. Criteria: GeneDx Variant Classification Process June 2021. Collection method: clinical testing. Allele origin: germline. Affected: yes.
Comment: Not observed at significant frequency in large population cohorts (gnomAD); In silico analysis indicates that this missense variant does not alter protein structure/function; Has not been previously published as pathogenic or benign to our knowledge

NM_000474.4(TWIST1):c.124A>G (p.Ser42Gly)

Gene: TWIST1 (twist family bHLH transcription factor 1; minus strand). Cytogenetic location: 7p21.1.
Variant type: single nucleotide variant.
Coding change: c.124A>G on transcript NM_000474.4 (MANE Select); coding-DNA position 124, A replaced by G.
Protein change: p.Ser42Gly; replaces serine 42 with glycine.
Molecular consequence: missense variant. On other transcripts: non-coding transcript variant (1).
Genome position (GRCh38, 1-based): chr7:19,117,198, T>C on the plus strand (A>G on the coding strand, the complement: TWIST1 is on the minus strand). VCF-style: chr7-19117198-T-C. GRCh37 (hg19) VCF-style: chr7-19156821-T-C.
Other names: short protein forms S42G.
Identifiers: ClinVar variation 3600620 (VCV003600620.1).